The following is an entry in ClinVar:

NM_000540.3(RYR1):c.14424C>A (p.Phe4808Leu)

Gene: RYR1 (ryanodine receptor 1; plus strand). Cytogenetic location: 19q13.2.
Variant type: single nucleotide variant.
Coding change: c.14424C>A on transcript NM_000540.3 (MANE Select); coding-DNA position 14424, C replaced by A.
Protein change: p.Phe4808Leu; replaces phenylalanine 4808 with leucine.
Molecular consequence: missense variant.
Genome position (GRCh38, 1-based): chr19:38,580,041, C>A. VCF-style: chr19-38580041-C-A. GRCh37 (hg19) VCF-style: chr19-39070681-C-A.
Other names: NM_001042723.2:c.14409C>A; c.14409C>A, p.Phe4803Leu (NM_001042723.2); short protein forms F4803L, F4808L.
Identifiers: ClinVar variation 1213684 (VCV001213684.5), dbSNP rs780689135, ClinGen allele CA405687052.

ClinVar aggregate classification (germline): Uncertain significance. Review status: reviewed by expert panel (3 of 4 stars). 2 submissions from 2 submitters: Uncertain significance (1). 1 of the submissions does not count toward it. Last evaluated 2025-08-01.

Conditions:
Malignant hyperthermia of anesthesia. Also called: Anesthesic-triggered malignant hyperthermia. Identifiers: Orphanet 423, MedGen C0024591, MONDO:0018493, HP:0034733.

Submissions (2):

ClinGen Malignant Hyperthermia Susceptibility Variant Curation Expert Panel, ClinGen
Classification: Uncertain significance for Malignant hyperthermia of anesthesia. Last evaluated: 2025-08-01. Review status: reviewed by expert panel. Criteria: ClinGen MHS ACMG Specifications V2. Collection method: curation. Allele origin: germline. Inheritance: Autosomal dominant inheritance.
Comment: This pathogenicity assessment is relevant only for malignant hyperthermia susceptibility (MHS) inherited in an autosomal dominant pattern. Variants in RYR1 can also cause other myopathies inherited in an autosomal dominant pattern or in an autosomal recessive pattern. Some of these disorders may predispose individuals to malignant hyperthermia. RYR1 variants may also contribute to a malignant hyperthermia reaction in combination with other genetic and non-genetic factors and the clinician needs to consider such factors in making management decisions. This sequence variant predicts a substitution of phenylalanine with leucine at codon 4808 of the RYR1 protein, p.(Phe4808Leu). This variant was not present in a large population database (gnomAD) at the time this variant was interpreted. This variant has been reported in an individual with a personal or family history of an MH episode and a positive in vitro contracture test (IVCT) or caffeine halothane contracture test (CHCT) result (if the proband was unavailable for testing, a positive diagnostic test result in a mutation-positive relative was counted), PS4_Supporting (PMID: 23460944). No functional studies were identified for this variant. This variant resides in a region of RYR1 considered to be a hotspot for pathogenic variants that contribute to MHS, PM1_Sup (PMID: 21118704). A REVEL score >0.85 (.923) supports a pathogenic status for this variant, PP3_Moderate. This variant has been classified as a Variant of Unknown Significance. Criteria implemented: PS4_Supporting, PM1_Supporting, PP3_Moderate.

GeneDx
Classification: Pathogenic. Last evaluated: 2019-07-19. Review status: criteria provided, single submitter. Criteria: GeneDx Variant Classification Process June 2021. Collection method: clinical testing. Allele origin: germline. Affected: yes. Not counted in ClinVar's aggregate classification.
Comment: Functional studies demonstrate that F4808L (analogous to F4807P in a rabbit model) abolishes caffeine-induced calcium release similar to other functionally characterized variants in the critical RYR1 transmembrane region (Kraeva et al., 2013); Not observed in large population cohorts (Lek et al., 2016); In silico analysis, which includes protein predictors and evolutionary conservation, supports a deleterious effect; This variant is associated with the following publications: (PMID: 27147545, 23183335)